The following is an entry in ClinVar:

ClinVar aggregate classification (germline): Uncertain significance (1 of 4 stars; one submission).

Submission:

Labcorp Genetics (formerly Invitae), Labcorp
Classification: Uncertain significance. Last evaluated: 2021-05-03. Review status: criteria provided, single submitter. Criteria: Invitae Variant Classification Sherloc (09022015). Collection method: clinical testing. Allele origin: germline.
Comment: This sequence change replaces arginine with serine at codon 338 of the IL12RB2 protein (p.Arg338Ser). The arginine residue is moderately conserved and there is a moderate physicochemical difference between arginine and serine. In summary, the available evidence is currently insufficient to determine the role of this variant in disease. Therefore, it has been classified as a Variant of Uncertain Significance. Algorithms developed to predict the effect of missense changes on protein structure and function output the following: SIFT: "Tolerated"; PolyPhen-2: "Benign"; Align-GVGD: "Class C0". The serine amino acid residue is found in multiple mammalian species, suggesting that this missense change does not adversely affect protein function. These predictions have not been confirmed by published functional studies and their clinical significance is uncertain. This variant has not been reported in the literature in individuals with IL12RB2-related conditions. This variant is not present in population databases (ExAC no frequency).

NM_001374259.2(IL12RB2):c.1014A>T (p.Arg338Ser)

Gene: IL12RB2 (interleukin 12 receptor subunit beta 2; plus strand). Cytogenetic location: 1p31.3.
Variant type: single nucleotide variant.
Coding change: c.1014A>T on transcript NM_001374259.2 (MANE Select); coding-DNA position 1014, A replaced by T.
Protein change: p.Arg338Ser; replaces arginine 338 with serine.
Molecular consequence: missense variant. On other transcripts: non-coding transcript variant (2).
Genome position (GRCh38, 1-based): chr1:67,338,679, A>T. VCF-style: chr1-67338679-A-T. GRCh37 (hg19) VCF-style: chr1-67804362-A-T.
Other names: c.1014A>T, p.Arg338Ser (NM_001258214.1, NM_001258215.1, NM_001258216.1 and 2 more transcripts); short protein forms R338S.
Identifiers: ClinVar variation 1350862 (VCV001350862.8), dbSNP rs2100746482, ClinGen allele CA340734762.
Genomic context (GRCh38, chr1:67,338,679, plus strand): 5'-AACAGAGCCTACTGGGATGTTAGATGTCTGGTACATGAAACGGCACATTGACTACAGTAG[A>T]CAACAGATTTCTCTTTTCTGGAAGGTGAGTTTTAAGCGTCAACTTAAAACTCAAGGGAAT-3'
Protein context (NP_001361188.1, residues 328-348): WYMKRHIDYS[Arg338Ser]QQISLFWKNL